The following is an entry in ClinVar:

ClinVar aggregate classification (germline): Pathogenic (1 of 4 stars; one submission).

Conditions:
Cornelia de Lange syndrome 3 (CDLS3). Also called: SMC3-Related Cornelia de Lange Syndrome; CORNELIA DE LANGE SYNDROME 3 WITH OR WITHOUT MIDLINE BRAIN DEFECTS. Identifiers: Orphanet 199, MedGen C1853099, MONDO:0012555, OMIM 610759.

Submission:

Labcorp Genetics (formerly Invitae), Labcorp
Classification: Pathogenic for Cornelia de Lange syndrome 3. Last evaluated: 2024-10-07. Review status: criteria provided, single submitter. Criteria: Invitae Variant Classification Sherloc (09022015). Collection method: clinical testing. Allele origin: germline.
Comment: This sequence change replaces tyrosine, which is neutral and polar, with cysteine, which is neutral and slightly polar, at codon 376 of the SMC3 protein (p.Tyr376Cys). This variant is not present in population databases (gnomAD no frequency). This missense change has been observed in individual(s) with clinical features of Cornelia de Lange syndrome (internal data). Invitae Evidence Modeling of protein sequence and biophysical properties (such as structural, functional, and spatial information, amino acid conservation, physicochemical variation, residue mobility, and thermodynamic stability) indicates that this missense variant is expected to disrupt SMC3 protein function with a positive predictive value of 95%. This variant disrupts the p.Tyr376 amino acid residue in SMC3. Other variant(s) that disrupt this residue have been determined to be pathogenic (internal data). This suggests that this residue is clinically significant, and that variants that disrupt this residue are likely to be disease-causing. For these reasons, this variant has been classified as Pathogenic.

NM_005445.4(SMC3):c.1127A>G (p.Tyr376Cys)

Gene: SMC3 (structural maintenance of chromosomes 3; plus strand). Cytogenetic location: 10q25.2.
Variant type: single nucleotide variant.
Coding change: c.1127A>G on transcript NM_005445.4 (MANE Select); coding-DNA position 1127, A replaced by G.
Protein change: p.Tyr376Cys; replaces tyrosine 376 with cysteine.
Molecular consequence: missense variant.
Genome position (GRCh38, 1-based): chr10:110,584,218, A>G. VCF-style: chr10-110584218-A-G. GRCh37 (hg19) VCF-style: chr10-112343976-A-G.
Other names: short protein forms Y376C.
Identifiers: ClinVar variation 3720422 (VCV003720422.2).